The following is an entry in ClinVar:

NM_000687.4(AHCY):c.910G>T (p.Val304Leu)

Gene: AHCY (adenosylhomocysteinase; minus strand). Cytogenetic location: 20q11.22.
Variant type: single nucleotide variant.
Coding change: c.910G>T on transcript NM_000687.4 (MANE Select); coding-DNA position 910, G replaced by T.
Protein change: p.Val304Leu; replaces valine 304 with leucine.
Molecular consequence: missense variant.
Genome position (GRCh38, 1-based): chr20:34,290,394, C>A on the plus strand (G>T on the coding strand, the complement: AHCY is on the minus strand). VCF-style: chr20-34290394-C-A. GRCh37 (hg19) VCF-style: chr20-32878200-C-A.
Other names: c.826G>T, p.Val276Leu (NM_001161766.2, NM_001322084.2, NM_001322085.2); c.916G>T, p.Val306Leu (NM_001322086.2); c.910G>T, p.Val304Leu (NM_001362750.2); short protein forms V304L, V306L, V276L.
Identifiers: ClinVar variation 1977243 (VCV001977243.5), dbSNP rs567858986, ClinGen allele CA9820846.

ClinVar aggregate classification (germline): Uncertain significance (1 of 4 stars; one submission).

Conditions:
Hypermethioninemia with deficiency of S-adenosylhomocysteine hydrolase. Identifiers: Orphanet 88618, MedGen C3151058, MONDO:0013404, OMIM 613752.

Allele frequency attached by ClinVar (database versions not stated): 1000 Genomes Project 30x 0.00031; 1000 Genomes Project 0.00040.
gnomAD v4.1: 8 of 1,614,208 alleles (0.0005%); highest among the groups gnomAD compares: East Asian, 0.0045%; no homozygotes.

Submission:

Labcorp Genetics (formerly Invitae), Labcorp
Classification: Uncertain significance for Hypermethioninemia with deficiency of S-adenosylhomocysteine hydrolase. Last evaluated: 2022-02-01. Review status: criteria provided, single submitter. Criteria: Invitae Variant Classification Sherloc (09022015). Collection method: clinical testing. Allele origin: germline.
Comment: This sequence change replaces valine, which is neutral and non-polar, with leucine, which is neutral and non-polar, at codon 304 of the AHCY protein (p.Val304Leu). This variant is present in population databases (rs567858986, gnomAD 0.003%). This variant has not been reported in the literature in individuals affected with AHCY-related conditions. Algorithms developed to predict the effect of missense changes on protein structure and function are either unavailable or do not agree on the potential impact of this missense change (SIFT: "Not Available"; PolyPhen-2: "Benign"; Align-GVGD: "Not Available"). In summary, the available evidence is currently insufficient to determine the role of this variant in disease. Therefore, it has been classified as a Variant of Uncertain Significance.